The following is an entry in ClinVar:

NM_000548.5(TSC2):c.4662G>C (p.Gln1554His)

Gene: TSC2 (TSC complex subunit 2; plus strand). Cytogenetic location: 16p13.3.
Variant type: single nucleotide variant.
Coding change: c.4662G>C on transcript NM_000548.5 (MANE Select); coding-DNA position 4662, G replaced by C.
Protein change: p.Gln1554His; replaces glutamine 1554 with histidine.
Molecular consequence: missense variant.
Genome position (GRCh38, 1-based): chr16:2,085,322, G>C. VCF-style: chr16-2085322-G-C. GRCh37 (hg19) VCF-style: chr16-2135323-G-C.
Other names: c.4461G>C, p.Gln1487His (NM_001077183.3); c.4593G>C, p.Gln1531His (NM_001114382.3); c.4353G>C, p.Gln1451His (NM_001318827.2); c.4317G>C, p.Gln1439His (NM_001318829.2); c.3930G>C, p.Gln1310His (NM_001318831.2); c.4494G>C, p.Gln1498His (NM_001318832.2); c.4464G>C, p.Gln1488His (NM_001363528.2); c.4530G>C, p.Gln1510His (NM_001370404.1); and 2 more; short protein forms Q1554H, Q1310H, Q1488H, Q1498H, Q1451H, Q1487H, Q1510H, Q1439H.
Identifiers: ClinVar variation 65278 (VCV000065278.4), dbSNP rs137854880, ClinGen allele CA020854.

ClinVar aggregate classification (germline): Uncertain significance. Review status: no assertion criteria provided (0 of 4 stars). 2 submissions from 2 submitters: Uncertain significance (1). 1 of the submissions does not count toward it. Last evaluated 2024-02-28.

Conditions:
TSC2-related disorder. Also called: TSC2-Related Disorders; TSC2-related condition.
Tuberous sclerosis syndrome (TSC). Also called: Tuberous Sclerosis Complex; Tuberous sclerosis. Identifiers: Orphanet 805, MedGen C0041341, MONDO:0001734.

Submissions (2):

PreventionGenetics, part of Exact Sciences
Classification: Uncertain significance for TSC2-related condition. Last evaluated: 2024-02-28. Review status: no assertion criteria provided. Collection method: clinical testing. Allele origin: germline.
Comment: The TSC2 c.4662G>C variant is predicted to result in the amino acid substitution p.Gln1554His. This variant occurs at the final nucleotide position of exon 36 and splicing prediction programs predict a splicing defect at the consensus donor site (SpliceAI, Jaganathan K, et al. 2019. PubMed ID: 30661751). This variant was reported as probably pathogenic in an individual with suspected tuberous sclerosis complex (TSC); however, detailed clinical information was not provided (Table S2, Hoogeveen-Westerveld et al. 2013. PubMed ID: 22903760). In addition, functional analyses of this variant showed that it led to an increased but "intermediate" effect when compared to wild type and a known pathogenic TSC2 variant (Table S1, Hoogeveen-Westerveld et al. 2013. PubMed ID: 22903760). This variant has not been reported in large population database, indicating this variant is rare. Of note, a different nucleotide variant (c.4662G>T) leading to the same amino acid change (p. Gln1554His) was reported as de novo in a patient with TSC (Rendtorff et al. 2005. PubMed ID: 16114042). Although we suspect that this variant may be pathogenic, at this time, the clinical significance of this variant is uncertain due to the absence of conclusive functional and genetic evidence.

Tuberous sclerosis database (TSC2)
No classification provided. Condition: TSC. Review status: no classification provided. Criteria: Tuberous Sclerosis Database Assertion Criteria 2015. Collection method: curation. Allele origin: germline. Affected: yes. Not counted in ClinVar's aggregate classification.